The following is an entry in ClinVar:

NM_003051.4(SLC16A1):c.674A>T (p.Asp225Val)

Gene: SLC16A1 (solute carrier family 16 member 1; minus strand). Cytogenetic location: 1p13.2.
Variant type: single nucleotide variant.
Coding change: c.674A>T on transcript NM_003051.4 (MANE Select); coding-DNA position 674, A replaced by T.
Protein change: p.Asp225Val; replaces aspartic acid 225 with valine.
Molecular consequence: missense variant.
Genome position (GRCh38, 1-based): chr1:112,917,732, T>A on the plus strand (A>T on the coding strand, the complement: SLC16A1 is on the minus strand). VCF-style: chr1-112917732-T-A. GRCh37 (hg19) VCF-style: chr1-113460354-T-A.
Other names: c.674A>T, p.Asp225Val (NM_001166496.2); short protein forms D225V.
Identifiers: ClinVar variation 2002363 (VCV002002363.4), dbSNP rs375314608, ClinGen allele CA1011390.
Genomic context (GRCh38, chr1:112,917,732, plus strand): 5'-ACTGATCGTTTCTCTTGTTTAGGGTGTCTTCCAATAAGATCTGTATTTGCATCATGCAGA[T>A]CTTTTTTCACACCAGATTTTCCAGCTTTCTCAAGGGATGCTTTAGACTTATCTTTCCCTG-3'
Protein context (NP_003042.3, residues 215-235): EKAGKSGVKK[Asp225Val]LHDANTDLIG

ClinVar aggregate classification (germline): Uncertain significance (1 of 4 stars; one submission).

Allele frequency attached by ClinVar (database versions not stated): ExAC 0.00001.
gnomAD v4.1: 1 of 1,614,246 alleles (0.000062%); highest among the groups gnomAD compares: Admixed American, 0.0017%; no homozygotes.

Submission:

Labcorp Genetics (formerly Invitae), Labcorp
Classification: Uncertain significance. Last evaluated: 2023-07-10. Review status: criteria provided, single submitter. Criteria: Invitae Variant Classification Sherloc (09022015). Collection method: clinical testing. Allele origin: germline.
Comment: In summary, the available evidence is currently insufficient to determine the role of this variant in disease. Therefore, it has been classified as a Variant of Uncertain Significance. An algorithm developed to predict the effect of missense changes on protein structure and function (PolyPhen-2) suggests that this variant is likely to be tolerated. ClinVar contains an entry for this variant (Variation ID: 2002363). This variant has not been reported in the literature in individuals affected with SLC16A1-related conditions. This variant is present in population databases (rs375314608, gnomAD 0.003%). This sequence change replaces aspartic acid, which is acidic and polar, with valine, which is neutral and non-polar, at codon 225 of the SLC16A1 protein (p.Asp225Val).